The following is an entry in ClinVar:

ClinVar aggregate classification (germline): Uncertain significance (1 of 4 stars; one submission).

Allele frequency attached by ClinVar (database versions not stated): gnomAD exomes below 0.00001.
gnomAD v4.1: 1 of 1,574,046 alleles (0.000064%); highest among the groups gnomAD compares: Non-Finnish European, 0.000086%; no homozygotes.

Submission:

Ambry Genetics
Classification: Uncertain significance. Last evaluated: 2021-09-29. Review status: criteria provided, single submitter. Criteria: Ambry Variant Classification Scheme 2023. Collection method: clinical testing. Allele origin: germline.
Comment: The p.S2308F variant (also known as c.6923C>T), located in coding exon 52 of the PRKDC gene, results from a C to T substitution at nucleotide position 6923. The serine at codon 2308 is replaced by phenylalanine, an amino acid with highly dissimilar properties. This amino acid position is conserved. Since supporting evidence is limited at this time, the clinical significance of this alteration remains unclear.

NM_006904.7(PRKDC):c.6923C>T (p.Ser2308Phe)

Gene: PRKDC (protein kinase, DNA-activated, catalytic subunit; minus strand). Cytogenetic location: 8q11.21.
Variant type: single nucleotide variant.
Coding change: c.6923C>T on transcript NM_006904.7 (MANE Select); coding-DNA position 6923, C replaced by T.
Protein change: p.Ser2308Phe; replaces serine 2308 with phenylalanine.
Molecular consequence: missense variant.
Genome position (GRCh38, 1-based): chr8:47,852,755, G>A on the plus strand (C>T on the coding strand, the complement: PRKDC is on the minus strand). VCF-style: chr8-47852755-G-A. GRCh37 (hg19) VCF-style: chr8-48765316-G-A.
Other names: c.6923C>T, p.Ser2308Phe (NM_001081640.2); short protein forms S2308F.
Identifiers: ClinVar variation 1756180 (VCV001756180.2), dbSNP rs2088439043, ClinGen allele CA371158261.